The following is an entry in ClinVar:

GRCh38/hg38 17p11.2(chr17:16836827-20340442)x3

Genes: AKAP10 (A-kinase anchoring protein 10; minus strand), ALDH3A1 (aldehyde dehydrogenase 3 family member A1; minus strand), ALDH3A2 (aldehyde dehydrogenase 3 family member A2; plus strand), ALKBH5 (alkB homolog 5, RNA demethylase; plus strand), ATPAF2 (ATP synthase mitochondrial F1 complex assembly factor 2; minus strand) and 240 more. Cytogenetic location: 17p11.2.
Variant type: copy number gain.
Change: copy number 3 (three copies instead of two) of chr17:16,836,827-20,340,442 (3.50 Mb, GRCh38 coordinates, 1-based), cytogenetic band 17p11.2.
Identifiers: ClinVar variation 58131 (VCV000058131.3).

ClinVar aggregate classification (germline): Pathogenic (1 of 4 stars; one submission).

Submission:

ISCA Site 6
Classification: Pathogenic. Last evaluated: 2011-08-12. Review status: criteria provided, single submitter. Criteria: Kaminsky et al. (Genet Med. 2011). Collection method: clinical testing. Allele origin: de novo. Affected: yes. Observed: 1 variant allele.
Comment: Copy number variation identified through the course of routine clinical cytogenomic testing in postnatal populations. Clinical assertions have been curated as described in Kaminsky et al. 2011.